The following is an entry in ClinVar:

ClinVar aggregate classification (germline): Uncertain significance (1 of 4 stars; one submission).

Conditions:
Brugada syndrome. Also called: Sudden unexplained nocturnal death syndrome; Sudden unexpected nocturnal death syndrome; Sudden Unexplained Death Syndrome; Sudden Unexplained Nocturnal Death Syndrome (SUNDS). Identifiers: Orphanet 130, MedGen C1142166, MONDO:0015263.

gnomAD v4.1: 3 of 1,614,150 alleles (0.00019%); highest among the groups gnomAD compares: Non-Finnish European, 0.00025%; no homozygotes.

Submission:

Labcorp Genetics (formerly Invitae), Labcorp
Classification: Uncertain significance for Brugada syndrome. Last evaluated: 2025-10-18. Review status: criteria provided, single submitter. Criteria: Invitae Variant Classification Sherloc (09022015). Collection method: clinical testing. Allele origin: germline.
Comment: This sequence change replaces arginine, which is basic and polar, with histidine, which is basic and polar, at codon 323 of the KCNJ8 protein (p.Arg323His). This variant is not present in population databases (gnomAD no frequency). This variant has not been reported in the literature in individuals affected with KCNJ8-related conditions. Invitae Evidence Modeling of protein sequence and biophysical properties (such as structural, functional, and spatial information, amino acid conservation, physicochemical variation, residue mobility, and thermodynamic stability) indicates that this missense variant is not expected to disrupt KCNJ8 protein function with a negative predictive value of 80%. In summary, the available evidence is currently insufficient to determine the role of this variant in disease. Therefore, it has been classified as a Variant of Uncertain Significance.

NM_004982.4(KCNJ8):c.968G>A (p.Arg323His)

Genes: KCNJ8 (potassium inwardly rectifying channel subfamily J member 8; minus strand), KCNJ8-AS1 (KCNJ8 antisense RNA 1; plus strand). Cytogenetic location: 12p12.1.
Variant type: single nucleotide variant.
Coding change: c.968G>A on transcript NM_004982.4 (MANE Select); coding-DNA position 968, G replaced by A.
Protein change: p.Arg323His; replaces arginine 323 with histidine.
Molecular consequence: missense variant.
Genome position (GRCh38, 1-based): chr12:21,766,030, C>T on the plus strand (G>A on the coding strand, the complement: KCNJ8 is on the minus strand). VCF-style: chr12-21766030-C-T. GRCh37 (hg19) VCF-style: chr12-21918964-C-T.
Other names: short protein forms R323H.
Identifiers: ClinVar variation 4705547 (VCV004705547.1).